The following is an entry in ClinVar:

ClinVar aggregate classification (germline): Pathogenic (1 of 4 stars; one submission).

Conditions:
Immunodeficiency-centromeric instability-facial anomalies syndrome 2 (ICF2). Identifiers: Orphanet 2268, MedGen C3279748, MONDO:0013553, OMIM 614069.

Submission:

Labcorp Genetics (formerly Invitae), Labcorp
Classification: Pathogenic for Immunodeficiency-centromeric instability-facial anomalies syndrome 2. Last evaluated: 2022-10-26. Review status: criteria provided, single submitter. Criteria: Invitae Variant Classification Sherloc (09022015). Collection method: clinical testing. Allele origin: germline.
Comment: For these reasons, this variant has been classified as Pathogenic. This variant has not been reported in the literature in individuals affected with ZBTB24-related conditions. This variant is not present in population databases (gnomAD no frequency). This sequence change creates a premature translational stop signal (p.Arg295Leufs*18) in the ZBTB24 gene. It is expected to result in an absent or disrupted protein product. Loss-of-function variants in ZBTB24 are known to be pathogenic (PMID: 21596365).

Literature cited by the submitters: PubMed 21596365.

NM_014797.3(ZBTB24):c.868_875dup (p.Arg295fs)

Gene: ZBTB24 (zinc finger and BTB domain containing 24; minus strand). Cytogenetic location: 6q21.
Variant type: Duplication.
Coding change: c.868_875dup on transcript NM_014797.3 (MANE Select); coding-DNA positions 868 to 875, 8 bases duplicated (GGAGGCCC; older notation c.868_875dupGGAGGCCC).
Protein change: p.Arg295fs; shifts the reading frame from arginine 295.
Molecular consequence: frameshift variant.
Genome position (GRCh38, 1-based): chr6:109,481,152-109,481,159, GGGCCTCC duplicated on the plus strand (GGAGGCCC on the coding strand, the reverse complement: ZBTB24 is on the minus strand). VCF-style (leftmost placement, unchanged base first): chr6-109481151-A-AGGGCCTCC. GRCh37 (hg19) VCF-style: chr6-109802354-A-AGGGCCTCC.
Other names: c.868_875dup, p.Arg295fs (NM_001164313.2); short protein forms R295fs.
Identifiers: ClinVar variation 2809786 (VCV002809786.3), dbSNP rs2482880840, ClinGen allele CA2739265929.